The following is an entry in ClinVar:

NM_001556.3(IKBKB):c.956C>T (p.Thr319Met)

Gene: IKBKB (inhibitor of nuclear factor kappa B kinase subunit beta; plus strand). Cytogenetic location: 8p11.21.
Variant type: single nucleotide variant.
Coding change: c.956C>T on transcript NM_001556.3 (MANE Select); coding-DNA position 956, C replaced by T.
Protein change: p.Thr319Met; replaces threonine 319 with methionine.
Molecular consequence: missense variant. On other transcripts: non-coding transcript variant (3).
Genome position (GRCh38, 1-based): chr8:42,316,735, C>T. VCF-style: chr8-42316735-C-T. GRCh37 (hg19) VCF-style: chr8-42174253-C-T.
Other names: c.764C>T, p.Thr255Met (NM_001190720.3); c.779C>T, p.Thr260Met (NM_001242778.2); short protein forms T255M, T260M, T319M.
Identifiers: ClinVar variation 2421930 (VCV002421930.6), dbSNP rs762966170, ClinGen allele CA4731854.

ClinVar aggregate classification (germline): Uncertain significance (1 of 4 stars; one submission).

Conditions:
Severe combined immunodeficiency due to IKK2 deficiency. Also called: Immunodeficiency 15; IMMUNODEFICIENCY 15B. Identifiers: Orphanet 397787, MedGen C4747743, MONDO:0014267, OMIM 615592.

Allele frequency attached by ClinVar (database versions not stated): gnomAD 0.00001; gnomAD exomes 0.00002; ExAC 0.00004.
gnomAD v4.1: 26 of 1,613,268 alleles (0.0016%); highest among the groups gnomAD compares: South Asian, 0.021%; no homozygotes.

Submission:

Labcorp Genetics (formerly Invitae), Labcorp
Classification: Uncertain significance for Severe combined immunodeficiency due to IKK2 deficiency. Last evaluated: 2025-10-10. Review status: criteria provided, single submitter. Criteria: Invitae Variant Classification Sherloc (09022015). Collection method: clinical testing. Allele origin: germline.
Comment: This sequence change replaces threonine, which is neutral and polar, with methionine, which is neutral and non-polar, at codon 319 of the IKBKB protein (p.Thr319Met). This variant is present in population databases (rs762966170, gnomAD 0.03%). This variant has not been reported in the literature in individuals affected with IKBKB-related conditions. ClinVar contains an entry for this variant (Variation ID: 2421930). Invitae Evidence Modeling of protein sequence and biophysical properties (such as structural, functional, and spatial information, amino acid conservation, physicochemical variation, residue mobility, and thermodynamic stability) indicates that this missense variant is not expected to disrupt IKBKB protein function with a negative predictive value of 95%. In summary, the available evidence is currently insufficient to determine the role of this variant in disease. Therefore, it has been classified as a Variant of Uncertain Significance.